The following is an entry in ClinVar:

NM_014679.5(CEP57):c.421A>G (p.Asn141Asp)

Gene: CEP57 (centrosomal protein 57; plus strand). Cytogenetic location: 11q21.
Variant type: single nucleotide variant.
Coding change: c.421A>G on transcript NM_014679.5 (MANE Select); coding-DNA position 421, A replaced by G.
Protein change: p.Asn141Asp; replaces asparagine 141 with aspartic acid.
Molecular consequence: missense variant.
Genome position (GRCh38, 1-based): chr11:95,813,506, A>G. VCF-style: chr11-95813506-A-G. GRCh37 (hg19) VCF-style: chr11-95546670-A-G.
Other names: c.394A>G, p.Asn132Asp (NM_001243776.2); c.421A>G, p.Asn141Asp (NM_001243777.2, NM_001440879.1, NM_001440882.1 and 4 more transcripts); c.340A>G, p.Asn114Asp (NM_001363604.2, NM_001440869.1, NM_001440870.1 and 3 more transcripts); c.160A>G, p.Asn54Asp (NM_001440880.1); c.241A>G, p.Asn81Asp (NM_001440881.1, NM_001440873.1); short protein forms N141D, N54D, N81D, N114D, N132D.
Identifiers: ClinVar variation 4826389 (VCV004826389.1).

ClinVar aggregate classification (germline): Uncertain significance (1 of 4 stars; one submission).

Conditions:
Inborn genetic diseases. Identifiers: MedGen C0950123, MeSH D030342.

Submission:

Ambry Genetics
Classification: Uncertain significance for Inborn genetic diseases. Last evaluated: 2026-03-06. Review status: criteria provided, single submitter. Criteria: Ambry Variant Classification Scheme 2023. Collection method: clinical testing. Allele origin: germline.
Comment: The p.N141D variant (also known as c.421A>G), located in coding exon 4 of the CEP57 gene, results from an A to G substitution at nucleotide position 421. The asparagine at codon 141 is replaced by aspartic acid, an amino acid with highly similar properties. This amino acid position is conserved. In addition, this alteration is predicted to be tolerated by in silico analysis. Based on the available evidence, the clinical significance of this variant remains unclear.